The following is an entry in ClinVar:

NM_001367624.2(ZNF469):c.10563G>C (p.Lys3521Asn)

Gene: ZNF469 (zinc finger protein 469; plus strand). Cytogenetic location: 16q24.2.
Variant type: single nucleotide variant.
Coding change: c.10563G>C on transcript NM_001367624.2 (MANE Select); coding-DNA position 10563, G replaced by C.
Protein change: p.Lys3521Asn; replaces lysine 3521 with asparagine.
Molecular consequence: missense variant.
Genome position (GRCh38, 1-based): chr16:88,438,033, G>C. VCF-style: chr16-88438033-G-C. GRCh37 (hg19) VCF-style: chr16-88504441-G-C.
Other names: NM_001127464.1:c.10479G>C; short protein forms K3521N.
Identifiers: ClinVar variation 3258196 (VCV003258196.3).
Genomic context (GRCh38, chr16:88,438,033, plus strand): 5'-TGAGGGCTCTCTCCCGGCCCTGCTCCACCTGTGTTCGGAGGTGGCTCCCAGCACCACCAA[G>C]GGATGGCCCGAGACCCTAGAGAGGCCTGTAGACCCCGTGACCCACCCGATCAGAGGTTGT-3'
Protein context (NP_001354553.1, residues 3511-3531): LCSEVAPSTT[Lys3521Asn]GWPETLERPV

ClinVar aggregate classification (germline): Uncertain significance. Review status: criteria provided, multiple submitters, no conflicts (2 of 4 stars). 2 submissions from 2 submitters: Uncertain significance (2). Last evaluated 2025-09-08.

Conditions:
Cardiovascular phenotype. Identifiers: MedGen CN230736.

gnomAD v4.1: 12 of 1,550,006 alleles (0.00077%); highest among the groups gnomAD compares: Admixed American, 0.0098%; no homozygotes.

Submissions (2):

Women's Health and Genetics/Laboratory Corporation of America, LabCorp
Classification: Uncertain significance. Last evaluated: 2025-09-08. Review status: criteria provided, single submitter. Criteria: LabCorp Variant Classification Summary - May 2015. Collection method: clinical testing. Allele origin: germline.
Comment: Variant summary: ZNF469 c.10563G>C (p.Lys3521Asn) results in a non-conservative amino acid change in the encoded protein sequence. Algorithms developed to predict the effect of missense changes on protein structure and function are either unavailable or do not agree on the potential impact of this missense change. The variant allele was found at a frequency of 2e-05 in 151856 control chromosomes. The available data on variant occurrences in the general population are insufficient to allow any conclusion about variant significance. To our knowledge, no occurrence of c.10563G>C in individuals affected with ZNF469-related conditions and no experimental evidence demonstrating its impact on protein function have been reported. ClinVar contains an entry for this variant (Variation ID: 3258196). Based on the evidence outlined above, the variant was classified as uncertain significance.

Ambry Genetics
Classification: Uncertain significance for Cardiovascular phenotype. Last evaluated: 2024-07-09. Review status: criteria provided, single submitter. Criteria: Ambry Variant Classification Scheme 2023. Collection method: clinical testing. Allele origin: germline.